The following is an entry in ClinVar:

NM_000038.6(APC):c.7705A>C (p.Ser2569Arg)

Gene: APC (APC regulator of Wnt signaling pathway; plus strand). Cytogenetic location: 5q22.2.
Variant type: single nucleotide variant.
Coding change: c.7705A>C on transcript NM_000038.6 (MANE Select); coding-DNA position 7705, A replaced by C.
Protein change: p.Ser2569Arg; replaces serine 2569 with arginine.
Molecular consequence: missense variant. On other transcripts: non-coding transcript variant (2).
Genome position (GRCh38, 1-based): chr5:112,843,299, A>C. VCF-style: chr5-112843299-A-C. GRCh37 (hg19) VCF-style: chr5-112178996-A-C.
Other names: c.7705A>C, p.Ser2569Arg (NM_001127510.3, NM_001354895.2, NM_001407450.1); c.7651A>C, p.Ser2551Arg (NM_001127511.3); c.7759A>C, p.Ser2587Arg (NM_001354896.2, NM_001407447.1, NM_001407448.1 and 1 more transcripts); c.7735A>C, p.Ser2579Arg (NM_001354897.2); c.7630A>C, p.Ser2544Arg (NM_001354898.2); c.7621A>C, p.Ser2541Arg (NM_001354899.2); c.7582A>C, p.Ser2528Arg (NM_001354900.2); c.7528A>C, p.Ser2510Arg (NM_001354901.2, NM_001407453.1); and 11 more; short protein forms S2185R, S2286R, S2409R, S2440R, S2443R, S2468R, S2478R, S2486R.
Identifiers: ClinVar variation 4801523 (VCV004801523.1).

ClinVar aggregate classification (germline): Uncertain significance (1 of 4 stars; one submission).

Conditions:
Familial adenomatous polyposis 1 (FAP1). Also called: FAMILIAL ADENOMATOUS POLYPOSIS 1, ATTENUATED; POLYPOSIS, ADENOMATOUS INTESTINAL. Identifiers: MedGen C2713442, MONDO:0021056, OMIM 175100. Disease mechanism: loss of function.

Submission:

Labcorp Genetics (formerly Invitae), Labcorp
Classification: Uncertain significance for Familial adenomatous polyposis 1. Last evaluated: 2025-10-22. Review status: criteria provided, single submitter. Criteria: Invitae Variant Classification Sherloc (09022015). Collection method: clinical testing. Allele origin: germline.
Comment: This sequence change replaces serine, which is neutral and polar, with arginine, which is basic and polar, at codon 2569 of the APC protein (p.Ser2569Arg). This variant is not present in population databases (gnomAD no frequency). This variant has not been reported in the literature in individuals affected with APC-related conditions. Invitae Evidence Modeling of protein sequence and biophysical properties (such as structural, functional, and spatial information, amino acid conservation, physicochemical variation, residue mobility, and thermodynamic stability) indicates that this missense variant is not expected to disrupt APC protein function with a negative predictive value of 95%. In summary, the available evidence is currently insufficient to determine the role of this variant in disease. Therefore, it has been classified as a Variant of Uncertain Significance.